The following is an entry in ClinVar:

NM_002067.5(GNA11):c.352G>C (p.Val118Leu)

Gene: GNA11 (G protein subunit alpha 11; plus strand). Cytogenetic location: 19p13.3.
Variant type: single nucleotide variant.
Coding change: c.352G>C on transcript NM_002067.5 (MANE Select); coding-DNA position 352, G replaced by C.
Protein change: p.Val118Leu; replaces valine 118 with leucine.
Molecular consequence: missense variant.
Genome position (GRCh38, 1-based): chr19:3,113,360, G>C. VCF-style: chr19-3113360-G-C. GRCh37 (hg19) VCF-style: chr19-3113358-G-C.
Other names: c.352G>C (NM_002067.4); short protein forms V118L.
Identifiers: ClinVar variation 3683914 (VCV003683914.3).

ClinVar aggregate classification (germline): Uncertain significance. Review status: criteria provided, multiple submitters, no conflicts (2 of 4 stars). 2 submissions from 2 submitters: Uncertain significance (2). Last evaluated 2026-05-14.

Conditions:
GNA11-related disorder. Also called: GNA11-related condition.

gnomAD v4.1: 1 of 1,613,306 alleles (0.000062%); highest among the groups gnomAD compares: Non-Finnish European, 0.000085%; no homozygotes.

Submissions (2):

PreventionGenetics, part of Exact Sciences
Classification: Uncertain significance for GNA11-related condition. Last evaluated: 2026-05-14. Review status: criteria provided, single submitter. Criteria: ACMG Guidelines, 2015. Collection method: clinical testing. Allele origin: germline.
Comment: The GNA11 c.352G>C variant is predicted to result in the amino acid substitution p.Val118Leu. To our knowledge, this variant has not been reported in the literature or in a large population database (gnomAD), indicating this variant is rare. At this time, the clinical significance of this variant is uncertain due to the absence of conclusive functional and genetic evidence.

Labcorp Genetics (formerly Invitae), Labcorp
Classification: Uncertain significance. Last evaluated: 2024-05-31. Review status: criteria provided, single submitter. Criteria: Invitae Variant Classification Sherloc (09022015). Collection method: clinical testing. Allele origin: germline.
Comment: This sequence change replaces valine, which is neutral and non-polar, with leucine, which is neutral and non-polar, at codon 118 of the GNA11 protein (p.Val118Leu). This variant is not present in population databases (gnomAD no frequency). This variant has not been reported in the literature in individuals affected with GNA11-related conditions. Advanced modeling of protein sequence and biophysical properties (such as structural, functional, and spatial information, amino acid conservation, physicochemical variation, residue mobility, and thermodynamic stability) performed at Invitae indicates that this missense variant is not expected to disrupt GNA11 protein function with a negative predictive value of 80%. In summary, the available evidence is currently insufficient to determine the role of this variant in disease. Therefore, it has been classified as a Variant of Uncertain Significance.